The following is an entry in ClinVar:

ClinVar aggregate classification (germline): not provided (0 of 4 stars; one submission).

Submission:

ITMI
No classification provided. Condition: AllHighlyPenetrant. Last evaluated: 2013-09-19. Review status: no classification provided. Collection method: reference population. Allele origin: germline.
Comment: Please see associated publication for description of ethnicities

Literature cited by the submitters: PubMed 24728327.

NM_170606.3(KMT2C):c.6461C>G (p.Ser2154Cys)

Gene: KMT2C (lysine methyltransferase 2C; minus strand). Cytogenetic location: 7q36.1.
Variant type: single nucleotide variant.
Coding change: c.6461C>G on transcript NM_170606.3 (MANE Select); coding-DNA position 6461, C replaced by G.
Protein change: p.Ser2154Cys; replaces serine 2154 with cysteine.
Molecular consequence: missense variant.
Genome position (GRCh38, 1-based): chr7:152,181,399, G>C on the plus strand (C>G on the coding strand, the complement: KMT2C is on the minus strand). VCF-style: chr7-152181399-G-C. GRCh37 (hg19) VCF-style: chr7-151878484-G-C.
Other names: short protein forms S2154C.
Identifiers: ClinVar variation 134762 (VCV000134762.1), dbSNP rs587778496, ClinGen allele CA160695.